The following is an entry in ClinVar:

ClinVar aggregate classification (germline): Uncertain significance (1 of 4 stars; one submission).

Submission:

GeneDx
Classification: Uncertain significance. Last evaluated: 2019-10-11. Review status: criteria provided, single submitter. Criteria: GeneDx Variant Classification Process June 2021. Collection method: clinical testing. Allele origin: germline. Affected: yes.
Comment: Not observed in large population cohorts (Lek et al., 2016); Canonical splice site variant in a gene for which loss-of-function is not a known mechanism of disease; Has not been previously published as pathogenic or benign to our knowledge; Variants in candidate genes are classified as variants of uncertain significance in accordance with ACMG guidelines (Richards et al., 2015)

NM_197968.4(ZMYM2):c.1299+1G>T

Gene: ZMYM2 (zinc finger MYM-type containing 2; plus strand). Cytogenetic location: 13q12.11.
Variant type: single nucleotide variant.
Coding change: c.1299+1G>T on transcript NM_197968.4 (MANE Select); the canonical splice donor site of the intron after coding-DNA position 1299, G replaced by T.
Molecular consequence: splice donor variant.
Genome position (GRCh38, 1-based): chr13:20,005,240, G>T. VCF-style: chr13-20005240-G-T. GRCh37 (hg19) VCF-style: chr13-20579380-G-T.
Other names: c.1038+1G>T (NM_001353163.2); c.1299+1G>T (NM_001353157.2, NM_001353164.2, NM_001353159.2 and 5 more transcripts); c.1104+1G>T (NM_001353161.3).
Identifiers: ClinVar variation 1309049 (VCV001309049.2), dbSNP rs2139950979, ClinGen allele CA387670496.